The following is an entry in ClinVar:

NM_001282531.3(ADNP):c.2502C>G (p.Val834=)

Gene: ADNP (activity dependent neuroprotector homeobox; minus strand). Cytogenetic location: 20q13.13.
Variant type: single nucleotide variant.
Coding change: c.2502C>G on transcript NM_001282531.3 (MANE Select); coding-DNA position 2502, C replaced by G.
Protein change: p.Val834=; no amino-acid change (valine 834 retained).
Molecular consequence: synonymous variant.
Genome position (GRCh38, 1-based): chr20:50,892,212, G>C on the plus strand (C>G on the coding strand, the complement: ADNP is on the minus strand). VCF-style: chr20-50892212-G-C. GRCh37 (hg19) VCF-style: chr20-49508749-G-C.
Other names: c.2502C>G, p.Val834= (NM_001282532.2, NM_001347511.2, NM_015339.5 and 1 more transcripts).
Identifiers: ClinVar variation 3905410 (VCV003905410.10).

ClinVar aggregate classification (germline): Likely benign (1 of 4 stars; one submission).

Submission:

CeGaT Center for Human Genetics Tuebingen
Classification: Likely benign. Last evaluated: 2025-05-01. Review status: criteria provided, single submitter. Criteria: CeGaT Center For Human Genetics Tuebingen Variant Classification Criteria Version 2. Collection method: clinical testing. Allele origin: germline. Affected: yes. Observed: 1 variant allele.
Comment: ADNP: PM2:Supporting, BP4, BP7